The following is an entry in ClinVar:

NM_000038.6(APC):c.6076del (p.Ser2026fs)

Gene: APC (APC regulator of Wnt signaling pathway; plus strand). Cytogenetic location: 5q22.2.
Variant type: Deletion.
Coding change: c.6076del on transcript NM_000038.6 (MANE Select); coding-DNA position 6076, one base deleted (T; older notation c.6076delT).
Protein change: p.Ser2026fs; shifts the reading frame from serine 2026.
Molecular consequence: frameshift variant. On other transcripts: non-coding transcript variant (2).
Genome position (GRCh38, 1-based): chr5:112,841,670, T deleted; the last of 2 consecutive T bases (chr5:112,841,669-112,841,670); deleting either gives the same sequence. VCF-style (leftmost placement, unchanged base first): chr5-112841668-GT-G. GRCh37 (hg19) VCF-style: chr5-112177365-GT-G.
Other names: c.6076del, p.Ser2026fs (NM_001127510.3, NM_001354895.2, NM_001407450.1); c.6022del, p.Ser2008fs (NM_001127511.3); c.6130del, p.Ser2044fs (NM_001354896.2, NM_001407447.1, NM_001407448.1 and 1 more transcripts); c.6106del, p.Ser2036fs (NM_001354897.2); c.6001del, p.Ser2001fs (NM_001354898.2); c.5992del, p.Ser1998fs (NM_001354899.2); c.5953del, p.Ser1985fs (NM_001354900.2); c.5899del, p.Ser1967fs (NM_001354901.2, NM_001407453.1); and 11 more; short protein forms S1642fs, S1743fs, S1866fs, S1897fs, S1900fs, S1925fs, S1935fs, S1943fs.
Identifiers: ClinVar variation 2583938 (VCV002583938.2), dbSNP rs2533689343, ClinGen allele CA2582341501.

ClinVar aggregate classification (germline): Pathogenic (1 of 4 stars; one submission).

Conditions:
Familial adenomatous polyposis 1 (FAP1). Also called: FAMILIAL ADENOMATOUS POLYPOSIS 1, ATTENUATED; POLYPOSIS, ADENOMATOUS INTESTINAL. Identifiers: MedGen C2713442, MONDO:0021056, OMIM 175100. Disease mechanism: loss of function.

Submission:

Myriad Genetics, Inc.
Classification: Pathogenic for Familial adenomatous polyposis 1. Last evaluated: 2023-05-15. Review status: criteria provided, single submitter. Criteria: Myriad Autosomal Dominant, Autosomal Recessive and X-Linked Classification Criteria (2023). Collection method: clinical testing. Allele origin: unknown.
Comment: This variant is considered pathogenic. This variant creates a frameshift predicted to result in premature protein truncation.